The following is an entry in ClinVar:

NM_000222.3(KIT):c.1541-3T>C

Gene: KIT (KIT proto-oncogene, receptor tyrosine kinase; plus strand). Cytogenetic location: 4q12.
Variant type: single nucleotide variant.
Coding change: c.1541-3T>C on transcript NM_000222.3 (MANE Select); 3 bases into the intron before coding-DNA position 1541, T replaced by C.
Molecular consequence: intron variant.
Genome position (GRCh38, 1-based): chr4:54,727,215, T>C. VCF-style: chr4-54727215-T-C. GRCh37 (hg19) VCF-style: chr4-55593381-T-C.
Other names: c.1544-3T>C (NM_001385284.1, NM_001385290.1); c.1532-3T>C (NM_001385288.1, NM_001385292.1); c.1541-3T>C (NM_001385285.1); c.1529-3T>C (NM_001093772.2, NM_001385286.1).
Identifiers: ClinVar variation 648651 (VCV000648651.9), dbSNP rs1577994268, ClinGen allele CA915943029.

ClinVar aggregate classification (germline): Uncertain significance (1 of 4 stars; one submission).

Conditions:
Gastrointestinal stromal tumor. Also called: Gastrointestinal stromal tumor, somatic; Gastrointestinal stroma tumor. Identifiers: Orphanet 44890, MedGen C0238198, MeSH D046152, MONDO:0011719, OMIM 606764, HP:0100723.

Submission:

Labcorp Genetics (formerly Invitae), Labcorp
Classification: Uncertain significance for Gastrointestinal stromal tumor. Last evaluated: 2018-10-26. Review status: criteria provided, single submitter. Criteria: Invitae Variant Classification Sherloc (09022015). Collection method: clinical testing. Allele origin: germline.
Comment: This sequence change falls in intron 9 of the KIT gene. It does not directly change the encoded amino acid sequence of the KIT protein, but it affects a nucleotide within the consensus splice site of the intron. This variant is not present in population databases (ExAC no frequency). This variant has not been reported in the literature in individuals with KIT-related disease. Nucleotide substitutions within the consensus splice site are a relatively common cause of aberrant splicing (PMID: 17576681, 9536098). In summary, the available evidence is currently insufficient to determine the role of this variant in disease. Therefore, it has been classified as a Variant of Uncertain Significance.

Literature cited by the submitters: PubMed 17576681; PubMed 9536098.